The following is an entry in ClinVar:

NM_001278116.2(L1CAM):c.2813G>A (p.Trp938Ter)

Gene: L1CAM (L1 cell adhesion molecule; minus strand). Cytogenetic location: Xq28.
Variant type: single nucleotide variant.
Coding change: c.2813G>A on transcript NM_001278116.2 (MANE Select); coding-DNA position 2813, G replaced by A.
Protein change: p.Trp938Ter; replaces tryptophan 938 with a stop codon.
Molecular consequence: nonsense.
Genome position (GRCh38, 1-based): chrX:153,865,147, C>T on the plus strand (G>A on the coding strand, the complement: L1CAM is on the minus strand). VCF-style: chrX-153865147-C-T. GRCh37 (hg19) VCF-style: chrX-153130602-C-T.
Other names: c.2813G>A, p.Trp938Ter (NM_000425.5, NM_024003.3); c.2798G>A, p.Trp933Ter (NM_001143963.2); short protein forms W933*, W938*.
Identifiers: ClinVar variation 1359228 (VCV001359228.6), dbSNP rs2148493891, ClinGen allele CA415114942.

ClinVar aggregate classification (germline): Pathogenic (1 of 4 stars; one submission).

Conditions:
Spastic paraplegia. Identifiers: MedGen C0037772, HP:0001258.

Submission:

Labcorp Genetics (formerly Invitae), Labcorp
Classification: Pathogenic for Spastic paraplegia. Last evaluated: 2021-08-25. Review status: criteria provided, single submitter. Criteria: Invitae Variant Classification Sherloc (09022015). Collection method: clinical testing. Allele origin: germline.
Comment: This sequence change creates a premature translational stop signal (p.Trp938*) in the L1CAM gene. It is expected to result in an absent or disrupted protein product. Loss-of-function variants in L1CAM are known to be pathogenic (PMID: 19846429). This variant is not present in population databases (ExAC no frequency). This variant has not been reported in the literature in individuals affected with L1CAM-related conditions. Algorithms developed to predict the effect of sequence changes on RNA splicing suggest that this variant may create or strengthen a splice site. For these reasons, this variant has been classified as Pathogenic.

Literature cited by the submitters: PubMed 19846429.